The following is an entry in ClinVar:

NM_203446.3(SYNJ1):c.*626G>A

Gene: SYNJ1 (synaptojanin 1; minus strand). Cytogenetic location: 21q22.11.
Variant type: single nucleotide variant.
Coding change: c.*626G>A on transcript NM_203446.3 (MANE Select); 626 bases downstream of the stop codon, G replaced by A.
Molecular consequence: 3 prime UTR variant. On other transcripts: missense variant (2).
Genome position (GRCh38, 1-based): chr21:32,631,179, C>T on the plus strand (G>A on the coding strand, the complement: SYNJ1 is on the minus strand). VCF-style: chr21-32631179-C-T. GRCh37 (hg19) VCF-style: chr21-34003489-C-T.
Other names: c.*626G>A (NM_001160302.2); c.4397G>A, p.Gly1466Asp (NM_001160306.2); c.4655G>A, p.Gly1552Asp (NM_003895.4); short protein forms G1552D, G1466D.
Identifiers: ClinVar variation 2145728 (VCV002145728.1), dbSNP rs781187792, ClinGen allele CA10003074.

ClinVar aggregate classification (germline): Uncertain significance (1 of 4 stars; one submission).

Conditions:
Developmental and epileptic encephalopathy, 53. Also called: Epileptic encephalopathy, early infantile, 53. Identifiers: MedGen C4479313, MONDO:0033362, OMIM 617389.
Early-onset Parkinson disease 20. Also called: PARKINSON DISEASE 20, AUTOSOMAL RECESSIVE EARLY-ONSET. Identifiers: Orphanet 391411, MedGen C3809824, MONDO:0014233, OMIM 615530.

Allele frequency attached by ClinVar (database versions not stated): ExAC 0.00002; TOPMed 0.00002; gnomAD 0.00003.
gnomAD v4.1: 81 of 1,614,042 alleles (0.005%); highest among the groups gnomAD compares: Non-Finnish European, 0.0067%; no homozygotes.

Submission:

Labcorp Genetics (formerly Invitae), Labcorp
Classification: Uncertain significance for Developmental and epileptic encephalopathy, 53; Early-onset Parkinson disease 20. Last evaluated: 2022-03-22. Review status: criteria provided, single submitter. Criteria: Invitae Variant Classification Sherloc (09022015). Collection method: clinical testing. Allele origin: germline.
Comment: This sequence change replaces glycine, which is neutral and non-polar, with aspartic acid, which is acidic and polar, at codon 1552 of the SYNJ1 protein (p.Gly1552Asp). This variant is present in population databases (rs781187792, gnomAD 0.002%). This variant has not been reported in the literature in individuals affected with SYNJ1-related conditions. Algorithms developed to predict the effect of missense changes on protein structure and function output the following: SIFT: "Deleterious"; PolyPhen-2: "Benign"; Align-GVGD: "Class C0". The aspartic acid amino acid residue is found in multiple mammalian species, which suggests that this missense change does not adversely affect protein function. In summary, the available evidence is currently insufficient to determine the role of this variant in disease. Therefore, it has been classified as a Variant of Uncertain Significance.